The following is an entry in ClinVar:

NM_203447.4(DOCK8):c.760C>T (p.Arg254Cys)

Gene: DOCK8 (dedicator of cytokinesis 8; plus strand). Cytogenetic location: 9p24.3.
Variant type: single nucleotide variant.
Coding change: c.760C>T on transcript NM_203447.4 (MANE Select); coding-DNA position 760, C replaced by T.
Protein change: p.Arg254Cys; replaces arginine 254 with cysteine.
Molecular consequence: missense variant.
Genome position (GRCh38, 1-based): chr9:317,061, C>T. VCF-style: chr9-317061-C-T. GRCh37 (hg19) VCF-style: chr9-317061-C-T.
Other names: c.556C>T, p.Arg186Cys (NM_001190458.2, NM_001193536.2); short protein forms R186C, R254C.
Identifiers: ClinVar variation 915001 (VCV000915001.6), dbSNP rs1227911560, ClinGen allele CA372761749.

ClinVar aggregate classification (germline): Uncertain significance. Review status: criteria provided, multiple submitters, no conflicts (2 of 4 stars). 2 submissions from 2 submitters: Uncertain significance (2). Last evaluated 2024-12-12.

Conditions:
Combined immunodeficiency due to DOCK8 deficiency (HIES2). Also called: HIES autosomal recessive; HYPER-IgE RECURRENT INFECTION SYNDROME 2, AUTOSOMAL RECESSIVE; DOCK8 Deficiency; HYPER-IgE SYNDROME 2, AUTOSOMAL RECESSIVE, WITH RECURRENT INFECTIONS; Hyper-IgE recurrent infection syndrome, autosomal recessive. Identifiers: Orphanet 217390, MedGen C4722305, MONDO:0009478, OMIM 243700.

Allele frequency attached by ClinVar (database versions not stated): gnomAD exomes below 0.00001; TOPMed below 0.00001.
gnomAD v4.1: 1 of 1,613,524 alleles (0.000062%); highest among the groups gnomAD compares: Admixed American, 0.0017%; no homozygotes.

Submissions (2):

Labcorp Genetics (formerly Invitae), Labcorp
Classification: Uncertain significance for Combined immunodeficiency due to DOCK8 deficiency. Last evaluated: 2024-12-12. Review status: criteria provided, single submitter. Criteria: Invitae Variant Classification Sherloc (09022015). Collection method: clinical testing. Allele origin: germline.
Comment: This sequence change replaces arginine, which is basic and polar, with cysteine, which is neutral and slightly polar, at codon 254 of the DOCK8 protein (p.Arg254Cys). This variant is present in population databases (no rsID available, gnomAD 0.003%). This variant has not been reported in the literature in individuals affected with DOCK8-related conditions. ClinVar contains an entry for this variant (Variation ID: 915001). Invitae Evidence Modeling of protein sequence and biophysical properties (such as structural, functional, and spatial information, amino acid conservation, physicochemical variation, residue mobility, and thermodynamic stability) indicates that this missense variant is not expected to disrupt DOCK8 protein function with a negative predictive value of 80%. In summary, the available evidence is currently insufficient to determine the role of this variant in disease. Therefore, it has been classified as a Variant of Uncertain Significance.

Illumina Laboratory Services, Illumina
Classification: Uncertain significance for Combined immunodeficiency due to DOCK8 deficiency. Last evaluated: 2018-01-13. Review status: criteria provided, single submitter. Criteria: ICSL Variant Classification Criteria 13 December 2019. Collection method: clinical testing. Allele origin: germline.